The following is an entry in ClinVar:

ClinVar aggregate classification (germline): Uncertain significance (1 of 4 stars; one submission).

Allele frequency attached by ClinVar (database versions not stated): gnomAD exomes 0.00001; ExAC 0.00002.
gnomAD v4.1: 7 of 1,611,526 alleles (0.00043%); highest among the groups gnomAD compares: South Asian, 0.0066%; no homozygotes.

Submission:

Ambry Genetics
Classification: Uncertain significance. Last evaluated: 2022-02-23. Review status: criteria provided, single submitter. Criteria: Ambry Variant Classification Scheme 2023. Collection method: clinical testing. Allele origin: germline.
Comment: The p.N81H variant (also known as c.241A>C), located in coding exon 1 of the MNDA gene, results from an A to C substitution at nucleotide position 241. The asparagine at codon 81 is replaced by histidine, an amino acid with similar properties. This amino acid position is conserved. In addition, this alteration is predicted to be tolerated by in silico analysis. Since supporting evidence is limited at this time, the clinical significance of this alteration remains unclear.

NM_002432.3(MNDA):c.241A>C (p.Asn81His)

Gene: MNDA (myeloid cell nuclear differentiation antigen; plus strand). Cytogenetic location: 1q23.1.
Variant type: single nucleotide variant.
Coding change: c.241A>C on transcript NM_002432.3 (MANE Select); coding-DNA position 241, A replaced by C.
Protein change: p.Asn81His; replaces asparagine 81 with histidine.
Molecular consequence: missense variant.
Genome position (GRCh38, 1-based): chr1:158,842,394, A>C. VCF-style: chr1-158842394-A-C. GRCh37 (hg19) VCF-style: chr1-158812184-A-C.
Other names: short protein forms N81H.
Identifiers: ClinVar variation 1790984 (VCV001790984.2), dbSNP rs760884810, ClinGen allele CA1185521.